The following is an entry in ClinVar:

NM_014844.5(TECPR2):c.4082-75_4082-52dup

Gene: TECPR2 (tectonin beta-propeller repeat containing 2; plus strand). Cytogenetic location: 14q32.31.
Variant type: Duplication.
Coding change: c.4082-75_4082-52dup on transcript NM_014844.5 (MANE Select); 75 bases into the intron before coding-DNA position 4082 through 52 bases into the intron before coding-DNA position 4082, 24 bases duplicated (AGCTCCCAGCTCCATCTGTGCCCA).
Molecular consequence: intron variant.
Genome position (GRCh38, 1-based): chr14:102,498,028-102,498,051, AGCTCCCAGCTCCATCTGTGCCCA duplicated; duplicating any 24 consecutive bases within chr14:102,498,023-102,498,051 gives the same sequence; the c. name uses the placement nearest the transcript's 3' end. VCF-style (leftmost placement, unchanged base first): chr14-102498022-C-CGCCCAAGCTCCCAGCTCCATCTGT. GRCh37 (hg19) VCF-style: chr14-102964359-C-CGCCCAAGCTCCCAGCTCCATCTGT.
Identifiers: ClinVar variation 672260 (VCV000672260.1), dbSNP rs146599191, ClinGen allele CA267068135.

ClinVar aggregate classification (germline): Benign (1 of 4 stars; one submission).

Submission:

GeneDx
Classification: Benign. Last evaluated: 2018-06-14. Review status: criteria provided, single submitter. Criteria: GeneDx Variant Classification (06012015). Collection method: clinical testing. Allele origin: germline. Affected: yes.
Comment: This variant is considered likely benign or benign based on one or more of the following criteria: it is a conservative change, it occurs at a poorly conserved position in the protein, it is predicted to be benign by multiple in silico algorithms, and/or has population frequency not consistent with disease.